The following is an entry in ClinVar:

NM_032119.4(ADGRV1):c.12222G>A (p.Trp4074Ter)

Gene: ADGRV1 (adhesion G protein-coupled receptor V1; plus strand). Cytogenetic location: 5q14.3.
Variant type: single nucleotide variant.
Coding change: c.12222G>A on transcript NM_032119.4 (MANE Select); coding-DNA position 12222, G replaced by A.
Protein change: p.Trp4074Ter; replaces tryptophan 4074 with a stop codon.
Molecular consequence: nonsense. On other transcripts: non-coding transcript variant (1).
Genome position (GRCh38, 1-based): chr5:90,763,406, G>A. VCF-style: chr5-90763406-G-A. GRCh37 (hg19) VCF-style: chr5-90059223-G-A.
Other names: short protein forms W4074*.
Identifiers: ClinVar variation 632464 (VCV000632464.7), dbSNP rs1366388721, ClinGen allele CA360378190.

ClinVar aggregate classification (germline): Pathogenic (1 of 4 stars; one submission).

Allele frequency attached by ClinVar (database versions not stated): gnomAD 0.00001; TOPMed 0.00001.
gnomAD v4.1: 1 of 1,613,556 alleles (0.000062%); highest among the groups gnomAD compares: Non-Finnish European, 0.000085%; no homozygotes.

Submission:

Labcorp Genetics (formerly Invitae), Labcorp
Classification: Pathogenic. Last evaluated: 2023-07-24. Review status: criteria provided, single submitter. Criteria: Invitae Variant Classification Sherloc (09022015). Collection method: clinical testing. Allele origin: germline.
Comment: This variant is not present in population databases (gnomAD no frequency). This premature translational stop signal has been observed in individual(s) with ADGRV1-related conditions (PMID: 32037395). ClinVar contains an entry for this variant (Variation ID: 632464). For these reasons, this variant has been classified as Pathogenic. This sequence change creates a premature translational stop signal (p.Trp4074*) in the ADGRV1 gene. It is expected to result in an absent or disrupted protein product. Loss-of-function variants in ADGRV1 are known to be pathogenic (PMID: 19357117, 22135276, 22147658, 26226137, 30718709, 31047384, 32467589).

Literature cited by the submitters: PubMed 32037395; PubMed 19357117; PubMed 22135276; PubMed 22147658; PubMed 26226137; PubMed 30718709; PubMed 31047384; PubMed 32467589.